The following is an entry in ClinVar:

NM_005535.3(IL12RB1):c.1450C>T (p.Arg484Cys)

Gene: IL12RB1 (interleukin 12 receptor subunit beta 1; minus strand). Cytogenetic location: 19p13.11.
Variant type: single nucleotide variant.
Coding change: c.1450C>T on transcript NM_005535.3 (MANE Select); coding-DNA position 1450, C replaced by T.
Protein change: p.Arg484Cys; replaces arginine 484 with cysteine.
Molecular consequence: missense variant.
Genome position (GRCh38, 1-based): chr19:18,066,575, G>A on the plus strand (C>T on the coding strand, the complement: IL12RB1 is on the minus strand). VCF-style: chr19-18066575-G-A. GRCh37 (hg19) VCF-style: chr19-18177385-G-A.
Other names: c.1450C>T, p.Arg484Cys (NM_001290023.2); c.1570C>T, p.Arg524Cys (NM_001290024.2); short protein forms R484C, R524C.
Identifiers: ClinVar variation 328581 (VCV000328581.11), dbSNP rs373257834, ClinGen allele CA9304832.

ClinVar aggregate classification (germline): Uncertain significance. Review status: criteria provided, multiple submitters, no conflicts (2 of 4 stars). 3 submissions from 3 submitters: Uncertain significance (3). Last evaluated 2025-06-29.

Conditions:
Mendelian susceptibility to mycobacterial diseases due to complete IL12RB1 deficiency. Also called: IL12RB1 DEFICIENCY; Immunodeficiency 30. Identifiers: Orphanet 319552, MedGen C4013949, MONDO:0013955, OMIM 614891.
Inborn genetic diseases. Identifiers: MedGen C0950123, MeSH D030342.

Allele frequency attached by ClinVar (database versions not stated): gnomAD below 0.00001 and 0.00001; ExAC 0.00002; gnomAD exomes 0.00002; TOPMed 0.00002.
gnomAD v4.1: 33 of 1,613,350 alleles (0.002%); highest among the groups gnomAD compares: South Asian, 0.011%; no homozygotes.

Submissions (3):

Ambry Genetics
Classification: Uncertain significance for Inborn genetic diseases. Last evaluated: 2025-06-29. Review status: criteria provided, single submitter. Criteria: Ambry Variant Classification Scheme 2023. Collection method: clinical testing. Allele origin: germline.

Labcorp Genetics (formerly Invitae), Labcorp
Classification: Uncertain significance for Mendelian susceptibility to mycobacterial diseases due to complete IL12RB1 deficiency. Last evaluated: 2021-08-26. Review status: criteria provided, single submitter. Criteria: Invitae Variant Classification Sherloc (09022015). Collection method: clinical testing. Allele origin: germline.
Comment: This sequence change replaces arginine with cysteine at codon 484 of the IL12RB1 protein (p.Arg484Cys). The arginine residue is moderately conserved and there is a large physicochemical difference between arginine and cysteine. This variant is present in population databases (rs373257834, ExAC 0.01%). This variant has not been reported in the literature in individuals affected with IL12RB1-related conditions. ClinVar contains an entry for this variant (Variation ID: 328581). Algorithms developed to predict the effect of missense changes on protein structure and function output the following: SIFT: "Tolerated"; PolyPhen-2: "Benign"; Align-GVGD: "Class C0". The cysteine amino acid residue is found in multiple mammalian species, which suggests that this missense change does not adversely affect protein function. In summary, the available evidence is currently insufficient to determine the role of this variant in disease. Therefore, it has been classified as a Variant of Uncertain Significance.

Illumina Laboratory Services, Illumina
Classification: Uncertain significance for Mendelian susceptibility to mycobacterial diseases due to complete IL12RB1 deficiency. Last evaluated: 2018-01-13. Review status: criteria provided, single submitter. Criteria: ICSL Variant Classification Criteria 13 December 2019. Collection method: clinical testing. Allele origin: germline.